The following is an entry in ClinVar:

ClinVar aggregate classification (germline): Pathogenic/Likely pathogenic. Review status: criteria provided, multiple submitters, no conflicts (2 of 4 stars). 5 submissions from 5 submitters: Pathogenic (2); Likely pathogenic (3). Last evaluated 2026-01-15.

Conditions:
Autosomal recessive limb-girdle muscular dystrophy type 2B (LGMDR2). Also called: MUSCULAR DYSTROPHY, LIMB-GIRDLE, TYPE 3; Limb-girdle muscular dystrophy, type 2B; MUSCULAR DYSTROPHY, LIMB-GIRDLE, AUTOSOMAL RECESSIVE 2; Limb-Girdle Muscular Dystrophy Type 2B (LGMD2B). Identifiers: Orphanet 268, MedGen C1850889, MONDO:0009676, OMIM 253601.
Autosomal recessive limb-girdle muscular dystrophy. Identifiers: Orphanet 102015, MedGen C2931907, MONDO:0015152.
Miyoshi muscular dystrophy 1 (MMD1). Identifiers: Orphanet 45448, MedGen C4551973, MONDO:0024545, OMIM 254130.
Distal myopathy with anterior tibial onset. Identifiers: Orphanet 178400, MedGen C1847532, MONDO:0011721, OMIM 606768.
Neuromuscular disease caused by qualitative or quantitative defects of dysferlin. Also called: Dysferlinopathy; Qualitative or quantitative defects of dysferlin. Identifiers: Orphanet 207073, MedGen C2931687, MONDO:0016145.

Submissions (5):

Myriad Genetics, Inc.
Classification: Pathogenic for Autosomal recessive limb-girdle muscular dystrophy. Last evaluated: 2026-01-15. Review status: criteria provided, single submitter. Criteria: Myriad Autosomal Dominant, Autosomal Recessive and X-Linked Classification Criteria (2023). Collection method: clinical testing. Allele origin: unknown.
Comment: NM_003494.3(DYSF):c.2834delG(G945Vfs*3) is expected to be pathogenic in the context of dysferlinopathy. This variant is predicted to lead to an abnormal or absent protein product due to the creation of a premature termination codon in DYSF, a gene where loss-of-function variants are known to be pathogenic. Please note: this variant was assessed in the context of healthy population screening.

Natera, Inc.
Classification: Likely pathogenic for Limb-girdle muscular dystrophy type 2B. Last evaluated: 2025-06-23. Review status: criteria provided, single submitter. Criteria: Natera Variant Classification Schema (03/2026). Collection method: clinical testing. Allele origin: germline.
Comment: The c.2834del variant in DYSF is a frameshift variant predicted to shift the reading frame beginning at codon 945 and leads to a stop codon 3 codons downstream. This variant is expected to result in nonsense mediated decay, truncation, or a dysfunctional protein product. This variant is rare in the general population with a frequency below the threshold expected for the associated phenotype(s). Given the available evidence, this variant is classified as Likely Pathogenic.

Revvity Omics, Revvity
Classification: Likely pathogenic. Last evaluated: 2025-06-16. Review status: criteria provided, single submitter. Criteria: ACMG Guidelines, 2015. Collection method: clinical testing. Allele origin: germline.

Fulgent Genetics
Classification: Likely pathogenic for Autosomal recessive limb-girdle muscular dystrophy type 2B; Miyoshi muscular dystrophy 1; Distal myopathy with anterior tibial onset. Last evaluated: 2024-01-02. Review status: criteria provided, single submitter. Criteria: ACMG Guidelines, 2015. Collection method: clinical testing. Allele origin: germline.

Labcorp Genetics (formerly Invitae), Labcorp
Classification: Pathogenic for Neuromuscular disease caused by qualitative or quantitative defects of dysferlin. Last evaluated: 2023-10-18. Review status: criteria provided, single submitter. Criteria: Invitae Variant Classification Sherloc (09022015). Collection method: clinical testing. Allele origin: germline.
Comment: This sequence change creates a premature translational stop signal (p.Gly945Valfs*3) in the DYSF gene. It is expected to result in an absent or disrupted protein product. Loss-of-function variants in DYSF are known to be pathogenic (PMID: 17698709, 20301480). This variant is not present in population databases (gnomAD no frequency). This variant has not been reported in the literature in individuals affected with DYSF-related conditions. For these reasons, this variant has been classified as Pathogenic.

Literature cited by the submitters: PubMed 17698709 (cited by Labcorp Genetics (formerly Invitae), Labcorp); PubMed 20301480 (cited by Labcorp Genetics (formerly Invitae), Labcorp).

NM_001130987.2(DYSF):c.2888del (p.Gly963fs)

Gene: DYSF (dysferlin; plus strand). Cytogenetic location: 2p13.2.
Variant type: Deletion.
Coding change: c.2888del on transcript NM_001130987.2 (MANE Select); coding-DNA position 2888, one base deleted (G; older notation c.2888delG).
Protein change: p.Gly963fs; shifts the reading frame from glycine 963.
Molecular consequence: frameshift variant.
Genome position (GRCh38, 1-based): chr2:71,569,843, G deleted; the last of 2 consecutive G bases (chr2:71,569,842-71,569,843); deleting either gives the same sequence. VCF-style (leftmost placement, unchanged base first): chr2-71569841-CG-C. GRCh37 (hg19) VCF-style: chr2-71796971-CG-C.
Other names: c.2837del, p.Gly946fs (NM_001130455.2, NM_001130983.2); c.2792del, p.Gly931fs (NM_001130976.2, NM_001130977.2); c.2834del, p.Gly945fs (NM_001130978.2, NM_003494.4); c.2927del, p.Gly976fs (NM_001130979.2); c.2885del, p.Gly962fs (NM_001130980.2, NM_001130981.2); c.2930del, p.Gly977fs (NM_001130982.2); c.2795del, p.Gly932fs (NM_001130984.2, NM_001130986.2); c.2888del, p.Gly963fs (NM_001130985.2); and 1 more; short protein forms G946fs, G976fs, G977fs, G931fs, G932fs, G945fs, G962fs, G963fs.
Identifiers: ClinVar variation 2796264 (VCV002796264.7), dbSNP rs2545814877, ClinGen allele CA2739271028.